The following is an entry in ClinVar:

NM_004304.5(ALK):c.2036C>T (p.Pro679Leu)

Gene: ALK (ALK receptor tyrosine kinase; minus strand). Cytogenetic location: 2p23.2.
Variant type: single nucleotide variant.
Coding change: c.2036C>T on transcript NM_004304.5 (MANE Select); coding-DNA position 2036, C replaced by T.
Protein change: p.Pro679Leu; replaces proline 679 with leucine.
Molecular consequence: missense variant.
Genome position (GRCh38, 1-based): chr2:29,275,104, G>A on the plus strand (C>T on the coding strand, the complement: ALK is on the minus strand). VCF-style: chr2-29275104-G-A. GRCh37 (hg19) VCF-style: chr2-29497970-G-A.
Other names: short protein forms P679L.
Identifiers: ClinVar variation 568025 (VCV000568025.8), dbSNP rs1558648699, ClinGen allele CA346479569.

ClinVar aggregate classification (germline): Uncertain significance (1 of 4 stars; one submission).

Conditions:
Neuroblastoma, susceptibility to, 3. Also called: ALK-Related Neuroblastic Tumor Susceptibility. Identifiers: Orphanet 635, MedGen C2751681, MONDO:0013083, OMIM 613014.

Submission:

Labcorp Genetics (formerly Invitae), Labcorp
Classification: Uncertain significance for Neuroblastoma, susceptibility to, 3. Last evaluated: 2024-08-21. Review status: criteria provided, single submitter. Criteria: Invitae Variant Classification Sherloc (09022015). Collection method: clinical testing. Allele origin: germline.
Comment: This sequence change replaces proline, which is neutral and non-polar, with leucine, which is neutral and non-polar, at codon 679 of the ALK protein (p.Pro679Leu). This variant is not present in population databases (gnomAD no frequency). This variant has not been reported in the literature in individuals affected with ALK-related conditions. ClinVar contains an entry for this variant (Variation ID: 568025). An algorithm developed to predict the effect of missense changes on protein structure and function (PolyPhen-2) suggests that this variant is likely to be tolerated. In summary, the available evidence is currently insufficient to determine the role of this variant in disease. Therefore, it has been classified as a Variant of Uncertain Significance.